The following is an entry in ClinVar:

NM_139027.6(ADAMTS13):c.1097G>A (p.Cys366Tyr)

Gene: ADAMTS13 (ADAM metallopeptidase with thrombospondin type 1 motif 13; plus strand). Cytogenetic location: 9q34.2.
Variant type: single nucleotide variant.
Coding change: c.1097G>A on transcript NM_139027.6 (MANE Select); coding-DNA position 1097, G replaced by A.
Protein change: p.Cys366Tyr; replaces cysteine 366 with tyrosine.
Molecular consequence: missense variant.
Genome position (GRCh38, 1-based): chr9:133,433,382, G>A. VCF-style: chr9-133433382-G-A. GRCh37 (hg19) VCF-style: chr9-136298502-G-A.
Other names: c.1097G>A, p.Cys366Tyr (NM_139025.5); c.1004G>A, p.Cys335Tyr (NM_139026.6); short protein forms C335Y, C366Y.
Identifiers: ClinVar variation 4278583 (VCV004278583.1).

ClinVar aggregate classification (germline): Likely pathogenic (1 of 4 stars; one submission).

Submission:

GeneDx
Classification: Likely pathogenic. Last evaluated: 2025-04-03. Review status: criteria provided, single submitter. Criteria: GeneDx Variant Classification Process June 2021. Collection method: clinical testing. Allele origin: germline. Affected: yes.
Comment: Not observed at significant frequency in large population cohorts (gnomAD); In silico analysis supports that this missense variant has a deleterious effect on protein structure/function; This variant is associated with the following publications: (PMID: 33433066, 30471945, 30792199)